The following is an entry in ClinVar:

NM_020911.2(PLXNA4):c.267C>A (p.Asp89Glu)

Gene: PLXNA4 (plexin A4; minus strand). Cytogenetic location: 7q32.3.
Variant type: single nucleotide variant.
Coding change: c.267C>A on transcript NM_020911.2 (MANE Select); coding-DNA position 267, C replaced by A.
Protein change: p.Asp89Glu; replaces aspartic acid 89 with glutamic acid.
Molecular consequence: missense variant.
Genome position (GRCh38, 1-based): chr7:132,508,427, G>T on the plus strand (C>A on the coding strand, the complement: PLXNA4 is on the minus strand). VCF-style: chr7-132508427-G-T. GRCh37 (hg19) VCF-style: chr7-132193186-G-T.
Other names: c.267C>A, p.Asp89Glu (NM_001105543.2, NM_001393897.1, NM_181775.4); short protein forms D89E.
Identifiers: ClinVar variation 3348522 (VCV003348522.1).
Genomic context (GRCh38, chr7:132,508,427, plus strand): 5'-GGTCAGGGGCTCATTGCAGGTCTGGACGATGCGGGGTGGGTAACACTTGGGGTTGTCCTC[G>T]TCCGGCCCTGTCTCATGCGTCACCAAGACCTTCAGGTCGCTGGAGAGCTTGTAAATCCGA-3'
Protein context (NP_065962.1, residues 79-99): KVLVTHETGP[Asp89Glu]EDNPKCYPPR

ClinVar aggregate classification (germline): Uncertain significance (0 of 4 stars; one submission).

Conditions:
PLXNA4-related disorder. Also called: PLXNA4-related condition.

gnomAD v4.1: 1 of 1,614,048 alleles (0.000062%); no homozygotes.

Submission:

PreventionGenetics, part of Exact Sciences
Classification: Uncertain significance for PLXNA4-related condition. Last evaluated: 2024-03-06. Review status: no assertion criteria provided. Collection method: clinical testing. Allele origin: germline.
Comment: The PLXNA4 c.267C>A variant is predicted to result in the amino acid substitution p.Asp89Glu. To our knowledge, this variant has not been reported in the literature or in a large population database, indicating this variant is rare. At this time, the clinical significance of this variant is uncertain due to the absence of conclusive functional and genetic evidence.